The following is an entry in ClinVar:

ClinVar aggregate classification (germline): Pathogenic/Likely pathogenic. Review status: criteria provided, multiple submitters, no conflicts (2 of 4 stars). 2 submissions from 2 submitters: Pathogenic (1); Likely pathogenic (1). Last evaluated 2023-06-17.

Conditions:
Autosomal recessive limb-girdle muscular dystrophy type 2C (LGMDR5). Also called: MUSCULAR DYSTROPHY, LIMB-GIRDLE, AUTOSOMAL RECESSIVE 5; MUSCULAR DYSTROPHY, DUCHENNE-LIKE. Identifiers: Orphanet 353, MedGen C0410173, MONDO:0009677, OMIM 253700. Disease mechanism: Affects gamma-sarcoglycan and also disrupts the integrity of the entire sarcoglycan complex..

Submissions (2):

Baylor Genetics
Classification: Likely pathogenic for Autosomal recessive limb-girdle muscular dystrophy type 2C. Last evaluated: 2023-06-17. Review status: criteria provided, single submitter. Criteria: ACMG Guidelines, 2015. Collection method: clinical testing. Allele origin: unknown.

Labcorp Genetics (formerly Invitae), Labcorp
Classification: Pathogenic for Autosomal recessive limb-girdle muscular dystrophy type 2C. Last evaluated: 2022-08-21. Review status: criteria provided, single submitter. Criteria: Invitae Variant Classification Sherloc (09022015). Collection method: clinical testing. Allele origin: germline.
Comment: For these reasons, this variant has been classified as Pathogenic. This variant has not been reported in the literature in individuals affected with SGCG-related conditions. This variant is not present in population databases (gnomAD no frequency). This sequence change creates a premature translational stop signal (p.Leu87*) in the SGCG gene. It is expected to result in an absent or disrupted protein product. Loss-of-function variants in SGCG are known to be pathogenic (PMID: 18285821).

Literature cited by the submitters: PubMed 18285821 (cited by Labcorp Genetics (formerly Invitae), Labcorp).

NM_000231.3(SGCG):c.260T>G (p.Leu87Ter)

Gene: SGCG (sarcoglycan gamma; plus strand). Cytogenetic location: 13q12.12.
Variant type: single nucleotide variant.
Coding change: c.260T>G on transcript NM_000231.3 (MANE Select); coding-DNA position 260, T replaced by G.
Protein change: p.Leu87Ter; replaces leucine 87 with a stop codon.
Molecular consequence: nonsense.
Genome position (GRCh38, 1-based): chr13:23,234,675, T>G. VCF-style: chr13-23234675-T-G. GRCh37 (hg19) VCF-style: chr13-23808814-T-G.
Other names: c.314T>G, p.Leu105Ter (NM_001378244.1); c.260T>G, p.Leu87Ter (NM_001378245.1, NM_001378246.1); short protein forms L87*, L105*.
Identifiers: ClinVar variation 2025516 (VCV002025516.5), dbSNP rs2541900264, ClinGen allele CA387506615.
Genomic context (GRCh38, chr13:23,234,675, plus strand): 5'-GAATGGGCCACTTGTGTGTAACAAAAGATGGACTGCGCTTGGAAGGGGAATCAGAATTTT[T>G]ATTCCCATTGTATGCCAAAGAAATACACTCCAGAGTGGTAAGAAAATGTTAAGACAAATA-3'